The following is an entry in ClinVar:

ClinVar aggregate classification (germline): Uncertain significance (1 of 4 stars; one submission).

Allele frequency attached by ClinVar (database versions not stated): gnomAD exomes below 0.00001; ExAC 0.00001; gnomAD 0.00001; TOPMed 0.00002.
gnomAD v4.1: 3 of 1,613,610 alleles (0.00019%); highest among the groups gnomAD compares: African/African-American, 0.0027%; no homozygotes.

Submission:

Biesecker Lab/Clinical Genomics Section, National Institutes of Health
Classification: Uncertain significance. Last evaluated: 2013-06-24. Review status: criteria provided, single submitter. Criteria: Ng et al. (Circ Cardiovasc Genet. 2013). Collection method: research. Allele origin: unknown. Observed: 1 variant allele. Study: ClinSeq.
Comment: The study set was not selected for affection status in relation to any cancer. Pathogenicity categories were based on literature curation. See Pubmed ID:23861362 for details.

Medical sequencing

NM_001267550.2(TTN):c.82154A>G (p.Glu27385Gly)

Genes: TTN (titin; minus strand), TTN-AS1 (TTN antisense RNA 1; plus strand). Cytogenetic location: 2q31.2.
Variant type: single nucleotide variant.
Coding change: c.82154A>G on transcript NM_001267550.2 (MANE Select); coding-DNA position 82154, A replaced by G.
Protein change: p.Glu27385Gly; replaces glutamic acid 27385 with glycine.
Molecular consequence: missense variant.
Genome position (GRCh38, 1-based): chr2:178,563,978, T>C on the plus strand (A>G on the coding strand, the complement: TTN is on the minus strand). VCF-style: chr2-178563978-T-C. GRCh37 (hg19) VCF-style: chr2-179428705-T-C.
Other names: c.77231A>G, p.Glu25744Gly (NM_001256850.1); c.54959A>G, p.Glu18320Gly (NM_003319.4); c.74450A>G, p.Glu24817Gly (NM_133378.4); c.55334A>G, p.Glu18445Gly (NM_133432.3); c.55535A>G, p.Glu18512Gly (NM_133437.4); short protein forms E24817G, E27385G, E18320G, E18445G, E25744G, E18512G.
Identifiers: ClinVar variation 191881 (VCV000191881.1), dbSNP rs745887048, ClinGen allele CA237773.